The following is an entry in ClinVar:

NM_000257.4(MYH7):c.341T>A (p.Ile114Asn)

Gene: MYH7 (myosin heavy chain 7; minus strand). Cytogenetic location: 14q11.2.
Variant type: single nucleotide variant.
Coding change: c.341T>A on transcript NM_000257.4 (MANE Select); coding-DNA position 341, T replaced by A.
Protein change: p.Ile114Asn; replaces isoleucine 114 with asparagine.
Molecular consequence: missense variant.
Genome position (GRCh38, 1-based): chr14:23,433,088, A>T on the plus strand (T>A on the coding strand, the complement: MYH7 is on the minus strand). VCF-style: chr14-23433088-A-T. GRCh37 (hg19) VCF-style: chr14-23902297-A-T.
Other names: short protein forms I114N.
Identifiers: ClinVar variation 579955 (VCV000579955.8), dbSNP rs730880833, ClinGen allele CA389053036.

ClinVar aggregate classification (germline): Uncertain significance (1 of 4 stars; one submission).

Conditions:
Hypertrophic cardiomyopathy. Also called: HYPERTROPHIC MYOCARDIOPATHY. Identifiers: Orphanet 217569, MedGen C0007194, MeSH D002312, MONDO:0005045, HP:0001639.

Submission:

Labcorp Genetics (formerly Invitae), Labcorp
Classification: Uncertain significance for Hypertrophic cardiomyopathy. Last evaluated: 2025-06-19. Review status: criteria provided, single submitter. Criteria: Invitae Variant Classification Sherloc (09022015). Collection method: clinical testing. Allele origin: germline.
Comment: This sequence change replaces isoleucine, which is neutral and non-polar, with asparagine, which is neutral and polar, at codon 114 of the MYH7 protein (p.Ile114Asn). This variant is not present in population databases (gnomAD no frequency). This variant has not been reported in the literature in individuals affected with MYH7-related conditions. ClinVar contains an entry for this variant (Variation ID: 579955). Invitae Evidence Modeling of protein sequence and biophysical properties (such as structural, functional, and spatial information, amino acid conservation, physicochemical variation, residue mobility, and thermodynamic stability) indicates that this missense variant is expected to disrupt MYH7 protein function with a positive predictive value of 95%. In summary, the available evidence is currently insufficient to determine the role of this variant in disease. Therefore, it has been classified as a Variant of Uncertain Significance.